The following is an entry in ClinVar:

ClinVar aggregate classification (germline): Conflicting classifications of pathogenicity. Review status: criteria provided, conflicting classifications (1 of 4 stars). 8 submissions from 8 submitters: Pathogenic (1); Likely pathogenic (5); Uncertain significance (1). 1 of the submissions does not count toward it. Last evaluated 2026-05-05.

Conditions:
Mucopolysaccharidosis, MPS-III-A (MPS3A). Also called: MUCOPOLYSACCHARIDOSIS, TYPE IIIA, ATTENUATED; SANFILIPPO SYNDROME A; Mucopolysaccharidosis, type IIIA; Mucopolysaccharidosis type IIIA (Sanfilippo A); HEPARAN SULFATE SULFATASE DEFICIENCY; mucopolysaccharidosis type 3A. Identifiers: Orphanet 581, Orphanet 79269, MedGen C0086647, MONDO:0009655, OMIM 252900.

Allele frequency attached by ClinVar (database versions not stated): gnomAD 0.00002; TOPMed 0.00002; ExAC 0.00003; gnomAD exomes 0.00001.
gnomAD v4.1: 18 of 1,612,548 alleles (0.0011%); highest among the groups gnomAD compares: Admixed American, 0.0033%; no homozygotes.

Submissions (8):

Myriad Genetics, Inc.
Classification: Uncertain significance for Mucopolysaccharidosis, MPS-III-A. Last evaluated: 2026-05-05. Review status: criteria provided, single submitter. Criteria: Myriad Autosomal Dominant, Autosomal Recessive and X-Linked Classification Criteria (2023). Collection method: clinical testing. Allele origin: unknown.
Comment: NM_000199.3(SGSH):c.383C>T(P128L) is a missense variant classified as a variant of uncertain significance in the context of mucopolysaccharidosis type IIIA. P128L has been observed in a case with relevant disease (PMID: 12702166). Relevant functional assessments of this variant are available in the literature (PMID: 10727844). P128L has been observed in referenced population frequency databases. In summary, there is insufficient evidence to classify NM_000199.3(SGSH):c.383C>T(P128L) as pathogenic or benign. Please note: this variant was assessed in the context of healthy population screening.

Labcorp Genetics (formerly Invitae), Labcorp
Classification: Pathogenic for Mucopolysaccharidosis, MPS-III-A. Last evaluated: 2026-01-09. Review status: criteria provided, single submitter. Criteria: Invitae Variant Classification Sherloc (09022015). Collection method: clinical testing. Allele origin: germline.
Comment: This sequence change replaces proline, which is neutral and non-polar, with leucine, which is neutral and non-polar, at codon 128 of the SGSH protein (p.Pro128Leu). This variant is present in population databases (rs104894642, gnomAD 0.003%). This missense change has been observed in individual(s) with mucopolysaccharidosis type IIIA (PMID: 9554748, 12702166). In at least one individual the data is consistent with being in trans (on the opposite chromosome) from a pathogenic variant. ClinVar contains an entry for this variant (Variation ID: 5110). Invitae Evidence Modeling of protein sequence and biophysical properties (such as structural, functional, and spatial information, amino acid conservation, physicochemical variation, residue mobility, and thermodynamic stability) indicates that this missense variant is expected to disrupt SGSH protein function with a positive predictive value of 95%. Experimental studies have shown that this missense change affects SGSH function (PMID: 10727844). For these reasons, this variant has been classified as Pathogenic.

Women's Health and Genetics/Laboratory Corporation of America, LabCorp
Classification: Likely pathogenic for Mucopolysaccharidosis, MPS-III-A. Last evaluated: 2025-08-29. Review status: criteria provided, single submitter. Criteria: LabCorp Variant Classification Summary - May 2015. Collection method: clinical testing. Allele origin: germline.
Comment: Variant summary: SGSH c.383C>T (p.Pro128Leu) results in a non-conservative amino acid change located in the sulfatase, N-terminal domain (IPR000917) of the encoded protein sequence. Algorithms developed to predict the effect of missense changes on protein structure and function are either unavailable or do not agree on the potential impact of this missense change. The variant allele was found at a frequency of 1.2e-05 in 249978 control chromosomes. c.383C>T has been reported in the literature in the compound heterozygous state in at-least one individual affected with Mucopolysaccharidosis Type IIIA (Sanfilippo Syndrome A) (example: DiNatale_1998, DiNatale_2003). These data do not allow any conclusion about variant significance. At least one publication reports experimental evidence evaluating an impact on protein function. Specifically, an in vitro study in COS cells demonstrated that this variant results in approximately 12% activity compared to wild type (example: Esposito_2000). The following publications have been ascertained in the context of this evaluation (PMID: 9554748, 10727844, 12702166). ClinVar contains an entry for this variant (Variation ID: 5110). Based on the evidence outlined above, the variant was classified as likely pathogenic.

Fulgent Genetics
Classification: Likely pathogenic for Mucopolysaccharidosis, MPS-III-A. Last evaluated: 2024-04-06. Review status: criteria provided, single submitter. Criteria: ACMG Guidelines, 2015. Collection method: clinical testing. Allele origin: germline.

Baylor Genetics
Classification: Likely pathogenic for Mucopolysaccharidosis, MPS-III-A. Last evaluated: 2024-03-16. Review status: criteria provided, single submitter. Criteria: ACMG Guidelines, 2015. Collection method: clinical testing. Allele origin: unknown.

Juno Genomics, Hangzhou Juno Genomics, Inc
Classification: Likely pathogenic for Mucopolysaccharidosis, MPS-III-A. Review status: criteria provided, single submitter. Criteria: ACMG Guidelines, 2015. Collection method: clinical testing. Allele origin: germline. Affected: yes.
Comment: Absent from controls (or at extremely low frequency if recessive) in Genome Aggregation Database, Exome Sequencing Project, 1000 Genomes Project, or Exome Aggregation Consortium.;Well-established in vitro or in vivo functional studies supportive of a damaging effect on the gene or gene product.;For recessive disorders, detected in trans with a pathogenic variant.

Kariminejad - Najmabadi Pathology & Genetics Center
Classification: Likely pathogenic for Mucopolysaccharidosis, MPS-III-A. Review status: criteria provided, single submitter. Criteria: ACMG Guidelines, 2015. Collection method: clinical testing. Allele origin: germline. Affected: no.

OMIM
Classification: Pathogenic for MUCOPOLYSACCHARIDOSIS, TYPE IIIA, ATTENUATED. Last evaluated: 2003-04-01. Review status: no assertion criteria provided. Collection method: literature only. Allele origin: germline. Not counted in ClinVar's aggregate classification.

Literature cited by the submitters: PubMed 10727844 (cited by 3 submitters); PubMed 12702166 (cited by 4 submitters); PubMed 9554748 (cited by Labcorp Genetics (formerly Invitae), Labcorp and Women's Health and Genetics/Laboratory Corporation of America, LabCorp).

NM_000199.5(SGSH):c.383C>T (p.Pro128Leu)

Gene: SGSH (N-sulfoglucosamine sulfohydrolase; minus strand). Cytogenetic location: 17q25.3.
Variant type: single nucleotide variant.
Coding change: c.383C>T on transcript NM_000199.5 (MANE Select); coding-DNA position 383, C replaced by T.
Protein change: p.Pro128Leu; replaces proline 128 with leucine.
Molecular consequence: missense variant. On other transcripts: non-coding transcript variant (1).
Genome position (GRCh38, 1-based): chr17:80,214,738, G>A on the plus strand (C>T on the coding strand, the complement: SGSH is on the minus strand). VCF-style: chr17-80214738-G-A. GRCh37 (hg19) VCF-style: chr17-78188537-G-A.
Other names: c.383C>T, p.Pro128Leu (NM_001352921.3, NM_001352922.2); short protein forms P128L.
Identifiers: ClinVar variation 5110 (VCV000005110.15), dbSNP rs104894642, ClinGen allele CA117260.